The following is an entry in ClinVar:

ClinVar aggregate classification (germline): Pathogenic. Review status: criteria provided, multiple submitters, no conflicts (2 of 4 stars). 3 submissions from 3 submitters: Pathogenic (2). 1 of the submissions does not count toward it. Last evaluated 2023-08-22.

Conditions:
Duchenne muscular dystrophy (DMD). Also called: MUSCULAR DYSTROPHY, PSEUDOHYPERTROPHIC PROGRESSIVE, DUCHENNE TYPE; Duchenne Muscular Dystrophy (DMD). Identifiers: Orphanet 98896, MedGen C0013264, MONDO:0010679, OMIM 310200.

Submissions (3):

Labcorp Genetics (formerly Invitae), Labcorp
Classification: Pathogenic for Duchenne muscular dystrophy. Last evaluated: 2023-08-22. Review status: criteria provided, single submitter. Criteria: Invitae Variant Classification Sherloc (09022015). Collection method: clinical testing. Allele origin: germline.
Comment: For these reasons, this variant has been classified as Pathogenic. ClinVar contains an entry for this variant (Variation ID: 11261). This premature translational stop signal has been observed in individual(s) with Duchenne muscular dystrophy (PMID: 8364587, 23453023). This variant is not present in population databases (gnomAD no frequency). This sequence change creates a premature translational stop signal (p.Gln2125*) in the DMD gene. It is expected to result in an absent or disrupted protein product. Loss-of-function variants in DMD are known to be pathogenic (PMID: 16770791, 25007885).

Eurofins Ntd Llc (ga)
Classification: Pathogenic. Last evaluated: 2012-12-10. Review status: criteria provided, single submitter. Criteria: EGL Classification Definitions 2015. Collection method: clinical testing. Allele origin: germline. Observed: 2 variant alleles, 1 heterozygote, 1 hemizygote.

OMIM
Classification: Pathogenic for DUCHENNE MUSCULAR DYSTROPHY. Last evaluated: 1993-01-01. Review status: no assertion criteria provided. Collection method: literature only. Allele origin: germline. Not counted in ClinVar's aggregate classification.

Literature cited by the submitters: PubMed 8364587 (cited by Labcorp Genetics (formerly Invitae), Labcorp and OMIM); PubMed 23453023 (cited by Labcorp Genetics (formerly Invitae), Labcorp); PubMed 16770791 (cited by Labcorp Genetics (formerly Invitae), Labcorp); PubMed 25007885 (cited by Labcorp Genetics (formerly Invitae), Labcorp).

NM_004006.3(DMD):c.6373C>T (p.Gln2125Ter)

Gene: DMD (dystrophin; minus strand). Cytogenetic location: Xp21.1.
Variant type: single nucleotide variant.
Coding change: c.6373C>T on transcript NM_004006.3 (MANE Select); coding-DNA position 6373, C replaced by T.
Protein change: p.Gln2125Ter; replaces glutamine 2125 with a stop codon.
Molecular consequence: nonsense.
Genome position (GRCh38, 1-based): chrX:32,216,981, G>A on the plus strand (C>T on the coding strand, the complement: DMD is on the minus strand). VCF-style: chrX-32216981-G-A. GRCh37 (hg19) VCF-style: chrX-32235098-G-A.
Other names: NP_003997.1:p.Gln2125*; c.6349C>T, p.Gln2117Ter (NM_000109.4); c.6361C>T, p.Gln2121Ter (NM_004009.3); c.6004C>T, p.Gln2002Ter (NM_004010.3); c.2350C>T, p.Gln784Ter (NM_004011.4); c.2341C>T, p.Gln781Ter (NM_004012.4); short protein forms Q2125*, Q2121*, Q784*, Q2002*, Q2117*, Q781*.
Identifiers: ClinVar variation 11261 (VCV000011261.15), dbSNP rs128626251, ClinGen allele CA273085.